The following is an entry in ClinVar:

ClinVar aggregate classification (germline): Conflicting classifications of pathogenicity. Review status: criteria provided, conflicting classifications (1 of 4 stars). 3 submissions from 3 submitters: Uncertain significance (1); Likely benign (2). Last evaluated 2025-11-12.

Conditions:
Hereditary cancer-predisposing syndrome. Also called: Hereditary neoplastic syndrome; Tumor predisposition; Neoplastic Syndromes, Hereditary; Hereditary Cancer Syndrome. Identifiers: Orphanet 140162, MedGen C0027672, MeSH D009386, MONDO:0015356.
Peutz-Jeghers syndrome (PJS). Also called: POLYPOSIS, HAMARTOMATOUS INTESTINAL; POLYPS-AND-SPOTS SYNDROME; Peutz-Jeghers polyposis; Periorificial lentiginosis syndrome. Identifiers: Orphanet 2869, MedGen C0031269, MeSH D010580, MONDO:0008280, OMIM 175200.

gnomAD v4.1: 2 of 1,597,394 alleles (0.00013%); highest among the groups gnomAD compares: Admixed American, 0.0017%; no homozygotes.

Submissions (3):

Labcorp Genetics (formerly Invitae), Labcorp
Classification: Likely benign for Peutz-Jeghers syndrome. Last evaluated: 2025-11-12. Review status: criteria provided, single submitter. Criteria: Invitae Variant Classification Sherloc (09022015). Collection method: clinical testing. Allele origin: germline.

Myriad Genetics, Inc.
Classification: Likely benign for Peutz-Jeghers syndrome. Last evaluated: 2025-03-26. Review status: criteria provided, single submitter. Criteria: Myriad Autosomal Dominant, Autosomal Recessive and X-Linked Classification Criteria (2023). Collection method: clinical testing. Allele origin: unknown.
Comment: This variant is considered likely benign. This variant is intronic and is not expected to impact mRNA splicing.

Ambry Genetics
Classification: Uncertain significance for Hereditary cancer-predisposing syndrome. Last evaluated: 2015-12-20. Review status: criteria provided, single submitter. Criteria: Ambry Variant Classification Scheme 2023. Collection method: clinical testing. Allele origin: germline.
Comment: The c.597+9G>T intronic alteration consists of a G to T substitution nucleotides after coding exon 4 in the STK11 gene. Based on insufficient or conflicting evidence, the clinical significance of this alteration remains unclear.

NM_000455.5(STK11):c.597+9G>T

Gene: STK11 (serine/threonine kinase 11; plus strand). Cytogenetic location: 19p13.3.
Variant type: single nucleotide variant.
Coding change: c.597+9G>T on transcript NM_000455.5 (MANE Select); 9 bases into the intron after coding-DNA position 597, G replaced by T.
Molecular consequence: intron variant.
Genome position (GRCh38, 1-based): chr19:1,220,514, G>T. VCF-style: chr19-1220514-G-T. GRCh37 (hg19) VCF-style: chr19-1220513-G-T.
Other names: c.597+9G>T (NM_000455.4).
Identifiers: ClinVar variation 1111756 (VCV001111756.11), dbSNP rs863224361, ClinGen allele CA631299473.